The following is an entry in ClinVar:

NM_001134363.3(RBM20):c.1266T>C (p.Phe422=)

Gene: RBM20 (RNA binding motif protein 20; plus strand). Cytogenetic location: 10q25.2.
Variant type: single nucleotide variant.
Coding change: c.1266T>C on transcript NM_001134363.3 (MANE Select); coding-DNA position 1266, T replaced by C.
Protein change: p.Phe422=; no amino-acid change (phenylalanine 422 retained).
Molecular consequence: synonymous variant.
Genome position (GRCh38, 1-based): chr10:110,781,875, T>C. VCF-style: chr10-110781875-T-C. GRCh37 (hg19) VCF-style: chr10-112541633-T-C.
Identifiers: ClinVar variation 179248 (VCV000179248.5), dbSNP rs727504737, ClinGen allele CA184047.
Genomic context (GRCh38, chr10:110,781,875, plus strand): 5'-TCACGGTGTGGCCCCCCTCCACTTGCCGCATATCTGTAGCATCTGTGACAAGAAGGTGTT[T>C]GATTTGAAGGTGAGTTGTCCAAGACAGGCTGGGAGCCACAGCTAGAAGCCTGGGCAGGCC-3'
Protein context (NP_001127835.2, residues 412-432): HICSICDKKV[Phe422=]DLKDWELHVK

ClinVar aggregate classification (germline): Likely benign (1 of 4 stars; one submission).

Submission:

Laboratory for Molecular Medicine, Mass General Brigham Personalized Medicine
Classification: Likely benign. Last evaluated: 2013-09-24. Review status: criteria provided, single submitter. Criteria: LMM Criteria. Collection method: clinical testing. Allele origin: germline. Observed: 1 variant allele.
Comment: p.Phe422Phe in exon 2 of RBM20: This variant is not expected to have clinical si gnificance because it does not alter an amino acid residue and is not located wi thin the splice consensus sequence.